The following is an entry in ClinVar:

ClinVar aggregate classification (germline): Benign/Likely benign. Review status: criteria provided, multiple submitters, no conflicts (2 of 4 stars). 9 submissions from 9 submitters: Benign (5); Likely benign (4). Last evaluated 2026-01-18.

Conditions:
Hereditary cancer-predisposing syndrome. Also called: Neoplastic Syndromes, Hereditary; Hereditary Cancer Syndrome; Tumor predisposition; Hereditary neoplastic syndrome. Identifiers: Orphanet 140162, MedGen C0027672, MeSH D009386, MONDO:0015356.
Tuberous sclerosis syndrome (TSC). Also called: Tuberous Sclerosis Complex; Tuberous sclerosis. Identifiers: Orphanet 805, MedGen C0041341, MONDO:0001734.
Tuberous sclerosis 1 (TSC1). Identifiers: Orphanet 805, MedGen C1854465, MONDO:0008612, OMIM 191100.

Allele frequency attached by ClinVar (database versions not stated): gnomAD 0.00001; gnomAD exomes 0.00001 and 0.00004; ExAC 0.00007; TOPMed 0.00001.
gnomAD v4.1: 18 of 1,614,090 alleles (0.0011%); highest among the groups gnomAD compares: Middle Eastern, 0.016%; no homozygotes.

Submissions (9):

Labcorp Genetics (formerly Invitae), Labcorp
Classification: Likely benign for Tuberous sclerosis 1. Last evaluated: 2026-01-18. Review status: criteria provided, single submitter. Criteria: Invitae Variant Classification Sherloc (09022015). Collection method: clinical testing. Allele origin: germline.

Myriad Genetics, Inc.
Classification: Benign for Tuberous sclerosis 1. Last evaluated: 2025-04-08. Review status: criteria provided, single submitter. Criteria: Myriad Autosomal Dominant, Autosomal Recessive and X-Linked Classification Criteria (2023). Collection method: clinical testing. Allele origin: unknown.
Comment: This variant is considered benign. This variant is a silent/synonymous amino acid change and it is not expected to impact splicing.

Blueprint Genetics
Classification: Likely benign. Last evaluated: 2024-07-01. Review status: criteria provided, single submitter. Criteria: ACMG Guidelines, 2015. Collection method: clinical testing. Allele origin: germline.

All of Us Research Program, National Institutes of Health
Classification: Benign for Tuberous sclerosis syndrome. Last evaluated: 2023-08-15. Review status: criteria provided, single submitter. Criteria: ACMG Guidelines, 2015. Collection method: clinical testing. Allele origin: germline. Inheritance: Autosomal dominant inheritance. Observed: 1 variant allele, 1 heterozygote.
Comment: This study involves interpretation of variants in research participants for the purpose of population health screening. Participant phenotype was not available at the time of variant classification. Additional details can be found in publication PMID: 35346344, PMCID: PMC8962531

Women's Health and Genetics/Laboratory Corporation of America, LabCorp
Classification: Benign. Last evaluated: 2023-06-30. Review status: criteria provided, single submitter. Criteria: LabCorp Variant Classification Summary - May 2015. Collection method: clinical testing. Allele origin: germline.

Color Diagnostics, LLC DBA Color Health
Classification: Benign for Tuberous sclerosis syndrome. Last evaluated: 2022-05-20. Review status: criteria provided, single submitter. Criteria: ACMG Guidelines, 2015. Collection method: clinical testing. Allele origin: germline.

Genome-Nilou Lab
Classification: Benign for Tuberous sclerosis 1. Last evaluated: 2021-11-07. Review status: criteria provided, single submitter. Criteria: ACMG Guidelines, 2015. Collection method: clinical testing. Allele origin: germline. Affected: no.

GeneDx
Classification: Likely benign. Last evaluated: 2020-06-29. Review status: criteria provided, single submitter. Criteria: GeneDx Variant Classification Process June 2021. Collection method: clinical testing. Allele origin: germline. Affected: yes.

Ambry Genetics
Classification: Likely benign for Hereditary cancer-predisposing syndrome. Last evaluated: 2020-03-04. Review status: criteria provided, single submitter. Criteria: Ambry Variant Classification Scheme 2023. Collection method: clinical testing. Allele origin: germline.

NM_000368.5(TSC1):c.651A>G (p.Glu217=)

Gene: TSC1 (TSC complex subunit 1; minus strand). Cytogenetic location: 9q34.13.
Variant type: single nucleotide variant.
Coding change: c.651A>G on transcript NM_000368.5 (MANE Select); coding-DNA position 651, A replaced by G.
Protein change: p.Glu217=; no amino-acid change (glutamic acid 217 retained).
Molecular consequence: synonymous variant.
Genome position (GRCh38, 1-based): chr9:132,921,831, T>C on the plus strand (A>G on the coding strand, the complement: TSC1 is on the minus strand). VCF-style: chr9-132921831-T-C. GRCh37 (hg19) VCF-style: chr9-135797218-T-C.
Other names: c.651A>G, p.Glu217= (NM_001162426.2); c.498A>G, p.Glu166= (NM_001162427.2); c.288A>G, p.Glu96= (NM_001362177.2).
Identifiers: ClinVar variation 668307 (VCV000668307.21), dbSNP rs766250769, ClinGen allele CA038336.